The following is an entry in ClinVar:

ClinVar aggregate classification (germline): Benign (1 of 4 stars; one submission).

Submission:

Unidad de Genómica Garrahan, Hospital de Pediatría Garrahan
Classification: Benign. Last evaluated: 2024-01-24. Review status: criteria provided, single submitter. Criteria: ACMG Guidelines, 2015. Collection method: clinical testing. Allele origin: germline. Affected: no. Observed: 95 variant alleles.
Comment: This variant is classified as Benign based on local population frequency. This variant was detected in 100% of patients studied by a panel of primary immunodeficiencies. Number of patients: 95. Only high quality variants are reported.

NM_030930.4(UNC93B1):c.1090-74dup

Gene: UNC93B1 (unc-93 homolog B1, TLR signaling regulator; minus strand). Cytogenetic location: 11q13.2.
Variant type: Duplication.
Coding change: c.1090-74dup on transcript NM_030930.4 (MANE Select); 74 bases into the intron before coding-DNA position 1090, one base duplicated (C; older notation c.1090-74dupC).
Molecular consequence: intron variant.
Genome position (GRCh38, 1-based): chr11:67,995,958, G duplicated on the plus strand (C on the coding strand, the reverse complement: UNC93B1 is on the minus strand); the first of 5 consecutive G bases (chr11:67,995,958-67,995,962); duplicating any one gives the same sequence. VCF-style (leftmost placement, unchanged base first): chr11-67995957-C-CG. GRCh37 (hg19) VCF-style: chr11-67763428-C-CG.
Identifiers: ClinVar variation 2688022 (VCV002688022.2), dbSNP rs71040578, ClinGen allele CA224212708.